The following is an entry in ClinVar:

NM_001165963.4(SCN1A):c.1905T>G (p.Phe635Leu)

Gene: SCN1A (sodium voltage-gated channel alpha subunit 1; minus strand). Cytogenetic location: 2q24.3.
Variant type: single nucleotide variant.
Coding change: c.1905T>G on transcript NM_001165963.4 (MANE Select); coding-DNA position 1905, T replaced by G.
Protein change: p.Phe635Leu; replaces phenylalanine 635 with leucine.
Molecular consequence: missense variant. On other transcripts: 5 prime UTR variant (1), non-coding transcript variant (1).
Genome position (GRCh38, 1-based): chr2:166,043,807, A>C on the plus strand (T>G on the coding strand, the complement: SCN1A is on the minus strand). VCF-style: chr2-166043807-A-C. GRCh37 (hg19) VCF-style: chr2-166900317-A-C.
Other names: c.1905T>G, p.Phe635Leu (NM_001165964.3, NM_001202435.3, NM_001353948.2 and 7 more transcripts); c.1902T>G, p.Phe634Leu (NM_001353954.2, NM_001353955.2, NM_001353960.2); c.-521T>G (NM_001353961.2); short protein forms F634L, F635L.
Identifiers: ClinVar variation 1313361 (VCV001313361.3), dbSNP rs1489623233, ClinGen allele CA349067325.
Genomic context (GRCh38, chr2:166,043,807, plus strand): 5'-ACCAACCAAGGAAACCACACCATTGCAATCCACAGTGCTGTGCATCTTCCCATTCGCTGG[A>C]AACACTGCCAGCATCCGGGATGACCTACTGGTCTGACTCAGGTTGCTGTTGCGTCTCTCT-3'
Protein context (NP_001159435.1, residues 625-645): TSRSSRMLAV[Phe635Leu]PANGKMHSTV

ClinVar aggregate classification (germline): Uncertain significance. Review status: criteria provided, multiple submitters, no conflicts (2 of 4 stars). 2 submissions from 2 submitters: Uncertain significance (2). Last evaluated 2024-11-13.

Conditions:
Inborn genetic diseases. Identifiers: MedGen C0950123, MeSH D030342.

Allele frequency attached by ClinVar (database versions not stated): gnomAD exomes below 0.00001; gnomAD 0.00001.
gnomAD v4.1: 2 of 1,614,064 alleles (0.00012%); highest among the groups gnomAD compares: Non-Finnish European, 0.00017%; no homozygotes.

Submissions (2):

Ambry Genetics
Classification: Uncertain significance for Inborn genetic diseases. Last evaluated: 2024-11-13. Review status: criteria provided, single submitter. Criteria: Ambry Variant Classification Scheme 2023. Collection method: clinical testing. Allele origin: germline.

GeneDx
Classification: Uncertain significance. Last evaluated: 2020-01-21. Review status: criteria provided, single submitter. Criteria: GeneDx Variant Classification Process June 2021. Collection method: clinical testing. Allele origin: germline. Affected: yes.
Comment: Not observed at a significant frequency in large population cohorts (Lek et al., 2016); The majority of missense variants in this gene are considered pathogenic (Stenson et al., 2014); In silico analysis, which includes protein predictors and evolutionary conservation, supports that this variant does not alter protein structure/function; Has not been previously published as pathogenic or benign to our knowledge; This substitution is predicted to be in the cytoplasmic loop between the first and second homologous domains